The following is an entry in ClinVar:

ClinVar aggregate classification (germline): Pathogenic/Likely pathogenic. Review status: criteria provided, multiple submitters, no conflicts (2 of 4 stars). 4 submissions from 4 submitters: Pathogenic (2); Likely pathogenic (2). Last evaluated 2024-11-05.

Conditions:
Heimler syndrome 2 (HMLR2). Also called: PEROXISOME BIOGENESIS DISORDER 4C. Identifiers: Orphanet 3220, MedGen C4225267, OMIM 616617, MONDO:0014709.
Peroxisome biogenesis disorder. Identifiers: Orphanet 79189, MedGen C1832200, MONDO:0019234. Disease mechanism: loss of function.

Submissions (4):

Myriad Genetics, Inc.
Classification: Pathogenic for Peroxisome biogenesis disorder. Last evaluated: 2024-11-05. Review status: criteria provided, single submitter. Criteria: Myriad Autosomal Dominant, Autosomal Recessive and X-Linked Classification Criteria (2023). Collection method: clinical testing. Allele origin: unknown.
Comment: NM_000287.3(PEX6):c.2010delC(G671Afs*43) is expected to be pathogenic in the context of peroxisome biogenesis disorder type 4. This variant is predicted to lead to an abnormal or absent protein product due to the creation of a premature termination codon in PEX6, a gene where loss-of-function variants are known to be pathogenic. Please note: this variant was assessed in the context of healthy population screening.

Baylor Genetics
Classification: Likely pathogenic for Heimler syndrome 2. Last evaluated: 2024-01-25. Review status: criteria provided, single submitter. Criteria: ACMG Guidelines, 2015. Collection method: clinical testing. Allele origin: unknown.

Revvity Omics, Revvity
Classification: Likely pathogenic. Last evaluated: 2023-06-30. Review status: criteria provided, single submitter. Criteria: ACMG Guidelines, 2015. Collection method: clinical testing. Allele origin: germline.

Labcorp Genetics (formerly Invitae), Labcorp
Classification: Pathogenic for Peroxisome biogenesis disorder. Last evaluated: 2022-10-10. Review status: criteria provided, single submitter. Criteria: Invitae Variant Classification Sherloc (09022015). Collection method: clinical testing. Allele origin: germline.
Comment: For these reasons, this variant has been classified as Pathogenic. This variant has not been reported in the literature in individuals affected with PEX6-related conditions. This variant is not present in population databases (gnomAD no frequency). This sequence change creates a premature translational stop signal (p.Gly671Alafs*43) in the PEX6 gene. It is expected to result in an absent or disrupted protein product. Loss-of-function variants in PEX6 are known to be pathogenic (PMID: 8670792, 19877282, 21031596).

Literature cited by the submitters: PubMed 8670792 (cited by Labcorp Genetics (formerly Invitae), Labcorp); PubMed 19877282 (cited by Labcorp Genetics (formerly Invitae), Labcorp); PubMed 21031596 (cited by Labcorp Genetics (formerly Invitae), Labcorp).

NM_000287.4(PEX6):c.2010del (p.Gly671fs)

Gene: PEX6 (peroxisomal biogenesis factor 6; minus strand). Cytogenetic location: 6p21.1.
Variant type: Deletion.
Coding change: c.2010del on transcript NM_000287.4 (MANE Select); coding-DNA position 2010, one base deleted (C; older notation c.2010delC).
Protein change: p.Gly671fs; shifts the reading frame from glycine 671.
Molecular consequence: frameshift variant. On other transcripts: non-coding transcript variant (1).
Genome position (GRCh38, 1-based): chr6:42,966,609, G deleted on the plus strand (C on the coding strand, the reverse complement: PEX6 is on the minus strand); the first of 2 consecutive G bases (chr6:42,966,609-42,966,610); deleting either gives the same sequence. VCF-style (leftmost placement, unchanged base first): chr6-42966608-CG-C. GRCh37 (hg19) VCF-style: chr6-42934346-CG-C.
Other names: c.1746del, p.Gly583fs (NM_001316313.2); short protein forms G583fs, G671fs.
Identifiers: ClinVar variation 2035104 (VCV002035104.9), dbSNP rs2481210528, ClinGen allele CA2580074633.